The following is an entry in ClinVar:

NM_000091.5(COL4A3):c.4337_4338del (p.Phe1446fs)

Genes: MFF-DT (MFF divergent transcript; minus strand), COL4A3 (collagen type IV alpha 3 chain; plus strand). Cytogenetic location: 2q36.3.
Variant type: Deletion.
Coding change: c.4337_4338del on transcript NM_000091.5 (MANE Select); coding-DNA positions 4337 to 4338, 2 bases deleted (TT; older notation c.4337_4338delTT).
Protein change: p.Phe1446fs; shifts the reading frame from phenylalanine 1446.
Molecular consequence: frameshift variant.
Genome position (GRCh38, 1-based): chr2:227,307,794-227,307,795, TT deleted; deleting any 2 consecutive bases within chr2:227,307,793-227,307,795 gives the same sequence; the c. name uses the placement nearest the transcript's 3' end. VCF-style (leftmost placement, unchanged base first): chr2-227307792-CTT-C. GRCh37 (hg19) VCF-style: chr2-228172508-CTT-C.
Other names: c.4337_4338delTT (NM_000091.4); short protein forms F1446fs.
Identifiers: ClinVar variation 856468 (VCV000856468.12), dbSNP rs776244020, ClinGen allele CA2147511.

ClinVar aggregate classification (germline): Conflicting classifications of pathogenicity. Review status: criteria provided, conflicting classifications (1 of 4 stars). 6 submissions from 6 submitters: Pathogenic (2); Likely pathogenic (3); Uncertain significance (1). Last evaluated 2025-09-29.

Conditions:
Alport syndrome 3b, autosomal recessive. Identifiers: MedGen C5882699, MONDO:0957811, OMIM 620536.
Alport syndrome. Also called: Hemorrhagic familial nephritis; Hemorrhagic hereditary nephritis; Congenital hereditary hematuria. Identifiers: Orphanet 63, MedGen C1567741, MONDO:0018965.
Autosomal dominant Alport syndrome (ATS3A). Also called: Alport syndrome dominant type; Renal failure and sensorineural hearing loss; ALPORT SYNDROME 3A, AUTOSOMAL DOMINANT. Identifiers: Orphanet 63, Orphanet 88918, MedGen C5882663, MONDO:0007086, OMIM 104200.
Hematuria, benign familial, 2 (BFH2). Identifiers: MedGen C5830421, MONDO:0958186, OMIM 620320.
Autosomal recessive Alport syndrome (ATS2). Also called: COL4A3-Related Nephropathy; Alport syndrome type 2; COL4A4 Alport Syndrome and Thin Basement Membrane Nephropathy; ALPORT SYNDROME 2, AUTOSOMAL RECESSIVE. Identifiers: Orphanet 63, Orphanet 88919, MedGen C4746745, MONDO:0008762, OMIM 203780.

Submissions (6):

Natera, Inc.
Classification: Likely pathogenic for Alport syndrome. Last evaluated: 2025-09-29. Review status: criteria provided, single submitter. Criteria: Natera Variant Classification Schema (03/2026). Collection method: clinical testing. Allele origin: germline.
Comment: The c.4337_4338delTT variant in COL4A3 is a frameshift variant predicted to shift the reading frame beginning at codon 1446 and leads to a stop codon 63 codons downstream. This variant is expected to result in nonsense mediated decay, truncation, or a dysfunctional protein product. This variant is rare in the general population with a frequency below the threshold expected for the associated phenotype(s). Given the available evidence, this variant is classified as Likely Pathogenic.

3billion
Classification: Pathogenic for Alport syndrome 3b, autosomal recessive. Last evaluated: 2025-01-08. Review status: criteria provided, single submitter. Criteria: ACMG Guidelines, 2015. Collection method: clinical testing. Allele origin: germline. Affected: yes.
Comment: The variant is observed at an extremely low frequency in the gnomAD v4.1.0 dataset (total allele frequency: <0.001%). Predicted Consequence/Location: Frameshift: predicted to result in a loss or disruption of normal protein function through nonsense-mediated decay (NMD) or protein truncation. Multiple pathogenic variants are reported downstream of the variant. The variant has been reported to be associated with COL4A3-related disorder (ClinVar ID: VCV000856468). Therefore, this variant is classified as Pathogenic according to the recommendation of ACMG/AMP guideline.

Fulgent Genetics
Classification: Likely pathogenic for Autosomal dominant Alport syndrome; Hematuria, benign familial, 2; Alport syndrome 3b, autosomal recessive. Last evaluated: 2024-04-19. Review status: criteria provided, single submitter. Criteria: ACMG Guidelines, 2015. Collection method: clinical testing. Allele origin: germline.

Labcorp Genetics (formerly Invitae), Labcorp
Classification: Pathogenic. Last evaluated: 2024-03-07. Review status: criteria provided, single submitter. Criteria: Invitae Variant Classification Sherloc (09022015). Collection method: clinical testing. Allele origin: germline.
Comment: This sequence change creates a premature translational stop signal (p.Phe1446Cysfs*63) in the COL4A3 gene. It is expected to result in an absent or disrupted protein product. Loss-of-function variants in COL4A3 are known to be pathogenic (PMID: 8956999, 24854265, 26809805, 27281700). This variant is present in population databases (rs776244020, gnomAD 0.009%). This variant has not been reported in the literature in individuals affected with COL4A3-related conditions. ClinVar contains an entry for this variant (Variation ID: 856468). For these reasons, this variant has been classified as Pathogenic.

GeneDx
Classification: Uncertain significance. Last evaluated: 2022-10-13. Review status: criteria provided, single submitter. Criteria: GeneDx Variant Classification Process June 2021. Collection method: clinical testing. Allele origin: germline. Affected: yes.
Comment: Frameshift variant predicted to result in protein truncation or nonsense mediated decay in a gene for which loss of function is a known mechanism of disease; Has not been previously published as pathogenic or benign to our knowledge

Women's Health and Genetics/Laboratory Corporation of America, LabCorp
Classification: Likely pathogenic for Autosomal recessive Alport syndrome. Last evaluated: 2021-06-28. Review status: criteria provided, single submitter. Criteria: LabCorp Variant Classification Summary - May 2015. Collection method: clinical testing. Allele origin: germline.
Comment: Variant summary: COL4A3 c.4337_4338delTT (p.Phe1446CysfsX63) results in a premature termination codon, predicted to cause a truncation of the encoded protein or absence of the protein due to nonsense mediated decay, which are commonly known mechanisms for disease. Truncations downstream of this position have been classified as pathogenic by our laboratory. The variant allele was found at a frequency of 1.2e-05 in 249536 control chromosomes. To our knowledge, no occurrence of c.4337_4338delTT in individuals affected with Alport Syndrome and no experimental evidence demonstrating its impact on protein function have been reported. One clinical diagnostic laboratory has submitted clinical-significance assessments for this variant to ClinVar after 2014 without evidence for independent evaluation, citing the variant as pathogenic. Based on the evidence outlined above, the variant was classified as likely pathogenic.

Literature cited by the submitters: PubMed 8956999 (cited by Labcorp Genetics (formerly Invitae), Labcorp); PubMed 24854265 (cited by Labcorp Genetics (formerly Invitae), Labcorp); PubMed 26809805 (cited by Labcorp Genetics (formerly Invitae), Labcorp); PubMed 27281700 (cited by Labcorp Genetics (formerly Invitae), Labcorp).